The following is an entry in ClinVar:

ClinVar aggregate classification (germline): Uncertain significance (1 of 4 stars; one submission).

Submission:

Ambry Genetics
Classification: Uncertain significance. Last evaluated: 2024-06-21. Review status: criteria provided, single submitter. Criteria: Ambry Variant Classification Scheme 2023. Collection method: clinical testing. Allele origin: germline.
Comment: The p.D1988A variant (also known as c.5963A>C), located in coding exon 18 of the POLQ gene, results from an A to C substitution at nucleotide position 5963. The aspartic acid at codon 1988 is replaced by alanine, an amino acid with dissimilar properties. This amino acid position is conserved. In addition, this alteration is predicted to be deleterious by in silico analysis. Based on the available evidence, the clinical significance of this variant remains unclear.

NM_199420.4(POLQ):c.5963A>C (p.Asp1988Ala)

Gene: POLQ (DNA polymerase theta; minus strand). Cytogenetic location: 3q13.33.
Variant type: single nucleotide variant.
Coding change: c.5963A>C on transcript NM_199420.4 (MANE Select); coding-DNA position 5963, A replaced by C.
Protein change: p.Asp1988Ala; replaces aspartic acid 1988 with alanine.
Molecular consequence: missense variant.
Genome position (GRCh38, 1-based): chr3:121,483,393, T>G on the plus strand (A>C on the coding strand, the complement: POLQ is on the minus strand). VCF-style: chr3-121483393-T-G. GRCh37 (hg19) VCF-style: chr3-121202240-T-G.
Other names: short protein forms D1988A.
Identifiers: ClinVar variation 3308742 (VCV003308742.1).